The following is an entry in ClinVar:

NM_001195129.2(PRSS56):c.1612G>A (p.Gly538Ser)

Gene: PRSS56 (serine protease 56; plus strand). Cytogenetic location: 2q37.1.
Variant type: single nucleotide variant.
Coding change: c.1612G>A on transcript NM_001195129.2 (MANE Select); coding-DNA position 1612, G replaced by A.
Protein change: p.Gly538Ser; replaces glycine 538 with serine.
Molecular consequence: missense variant.
Genome position (GRCh38, 1-based): chr2:232,525,306, G>A. VCF-style: chr2-232525306-G-A. GRCh37 (hg19) VCF-style: chr2-233390016-G-A.
Other names: c.1612G>A (NM_001195129.1); c.1615G>A, p.Gly539Ser (NM_001369848.1); short protein forms G539S, G538S.
Identifiers: ClinVar variation 1383004 (VCV001383004.8), dbSNP rs915665449, ClinGen allele CA66949773.

ClinVar aggregate classification (germline): Uncertain significance. Review status: criteria provided, multiple submitters, no conflicts (2 of 4 stars). 3 submissions from 3 submitters: Uncertain significance (3). Last evaluated 2025-10-28.

Conditions:
Inborn genetic diseases. Identifiers: MedGen C0950123, MeSH D030342.
Isolated microphthalmia 6. Also called: MICROPHTHALMIA, POSTERIOR NONSYNDROMIC. Identifiers: Orphanet 2542, MedGen C3150757, MONDO:0013293, OMIM 613517.

Allele frequency attached by ClinVar (database versions not stated): gnomAD 0.00003 and 0.00004; gnomAD exomes 0.00005.
gnomAD v4.1: 24 of 1,523,332 alleles (0.0016%); highest among the groups gnomAD compares: East Asian, 0.0074%; no homozygotes.

Submissions (3):

Ambry Genetics
Classification: Uncertain significance for Inborn genetic diseases. Last evaluated: 2025-10-28. Review status: criteria provided, single submitter. Criteria: Ambry Variant Classification Scheme 2023. Collection method: clinical testing. Allele origin: germline.

Labcorp Genetics (formerly Invitae), Labcorp
Classification: Uncertain significance for Isolated microphthalmia 6. Last evaluated: 2025-07-10. Review status: criteria provided, single submitter. Criteria: Invitae Variant Classification Sherloc (09022015). Collection method: clinical testing. Allele origin: germline.
Comment: This sequence change replaces glycine, which is neutral and non-polar, with serine, which is neutral and polar, at codon 538 of the PRSS56 protein (p.Gly538Ser). This variant is present in population databases (no rsID available, gnomAD 0.02%). This variant has not been reported in the literature in individuals affected with PRSS56-related conditions. ClinVar contains an entry for this variant (Variation ID: 1383004). An algorithm developed to predict the effect of missense changes on protein structure and function outputs the following: PolyPhen-2: "Not Available". The serine amino acid residue is found in multiple mammalian species, which suggests that this missense change does not adversely affect protein function. In summary, the available evidence is currently insufficient to determine the role of this variant in disease. Therefore, it has been classified as a Variant of Uncertain Significance.

Blueprint Genetics
Classification: Uncertain significance. Last evaluated: 2019-12-31. Review status: criteria provided, single submitter. Criteria: ACMG Guidelines, 2015. Collection method: clinical testing. Allele origin: germline.